The following is an entry in ClinVar:

NM_004168.4(SDHA):c.585G>C (p.Arg195=)

Gene: SDHA (succinate dehydrogenase complex flavoprotein subunit A; plus strand). Cytogenetic location: 5p15.33.
Variant type: single nucleotide variant.
Coding change: c.585G>C on transcript NM_004168.4 (MANE Select); coding-DNA position 585, G replaced by C.
Protein change: p.Arg195=; no amino-acid change (arginine 195 retained).
Molecular consequence: synonymous variant.
Genome position (GRCh38, 1-based): chr5:226,011, G>C. VCF-style: chr5-226011-G-C. GRCh37 (hg19) VCF-style: chr5-226126-G-C.
Other names: c.441G>C, p.Arg147= (NM_001294332.2); c.585G>C, p.Arg195= (NM_001330758.2).
Identifiers: ClinVar variation 700677 (VCV000700677.19), dbSNP rs766339992, ClinGen allele CA3172884.

ClinVar aggregate classification (germline): Conflicting classifications of pathogenicity. Review status: criteria provided, conflicting classifications (1 of 4 stars). 6 submissions from 6 submitters: Uncertain significance (1); Benign (1); Likely benign (4). Last evaluated 2026-07-17.

Conditions:
SDHA-related disorder. Also called: SDHA-related condition; SDHA-related disorders.
Mitochondrial complex II deficiency, nuclear type 1. Also called: SUCCINATE CoQ REDUCTASE DEFICIENCY. Identifiers: Orphanet 3208, MedGen C5700310, MONDO:0100294, OMIM 252011.
Pheochromocytoma/paraganglioma syndrome 5. Also called: Paragangliomas 5; SDHA-Related Hereditary Paraganglioma-Pheochromocytoma Syndrome. Identifiers: Orphanet 29072, MedGen C3279992, MONDO:0013602, OMIM 614165.
Hereditary cancer-predisposing syndrome. Also called: Neoplastic Syndromes, Hereditary; Tumor predisposition; Hereditary Cancer Syndrome; Hereditary neoplastic syndrome. Identifiers: Orphanet 140162, MedGen C0027672, MeSH D009386, MONDO:0015356.
Neurodegeneration with ataxia and late-onset optic atrophy. Identifiers: MedGen C5543254, MONDO:0031006, OMIM 619259.
Dilated cardiomyopathy 1GG (CMD1GG). Identifiers: Orphanet 154, MedGen C3150898, MONDO:0013339, OMIM 613642.

Allele frequency attached by ClinVar (database versions not stated): gnomAD exomes below 0.00001; ExAC 0.00001; gnomAD 0.00001.
gnomAD v4.1: 4 of 1,614,072 alleles (0.00025%); highest among the groups gnomAD compares: East Asian, 0.0067%; no homozygotes.

Submissions (6):

PreventionGenetics, part of Exact Sciences
Classification: Likely benign for SDHA-related condition. Last evaluated: 2026-07-17. Review status: criteria provided, single submitter. Criteria: ACMG Guidelines, 2015. Collection method: clinical testing. Allele origin: germline.
Comment: This variant is classified as likely benign based on ACMG/AMP sequence variant interpretation guidelines (Richards et al. 2015 PMID: 25741868, with internal and published modifications).

Labcorp Genetics (formerly Invitae), Labcorp
Classification: Likely benign for Pheochromocytoma/paraganglioma syndrome 5; Mitochondrial complex II deficiency, nuclear type 1. Last evaluated: 2025-08-18. Review status: criteria provided, single submitter. Criteria: Invitae Variant Classification Sherloc (09022015). Collection method: clinical testing. Allele origin: germline.

Myriad Genetics, Inc.
Classification: Benign for Pheochromocytoma/paraganglioma syndrome 5. Last evaluated: 2025-03-03. Review status: criteria provided, single submitter. Criteria: Myriad Autosomal Dominant, Autosomal Recessive and X-Linked Classification Criteria (2023). Collection method: clinical testing. Allele origin: unknown.
Comment: This variant is considered benign. This variant is a silent/synonymous amino acid change and it is not expected to impact splicing.

Quest Diagnostics Nichols Institute San Juan Capistrano
Classification: Uncertain significance. Last evaluated: 2024-09-09. Review status: criteria provided, single submitter. Criteria: Quest Diagnostics criteria. Collection method: clinical testing. Allele origin: unknown.
Comment: The SDHA c.585G>C (p.Arg195=) synonymous variant has not been reported in individuals with SDHA-related conditions in the published literature. The frequency of this variant in the general population, 0.000032 (1/31400 chromosomes (Genome Aggregation Database)), is uninformative in the assessment of its pathogenicity. Analysis of this variant using software algorithms for the prediction of the effect of nucleotide changes on splicing yielded predictions that this variant does not affect SDHA mRNA splicing. Based on the available information, we are unable to determine the clinical significance of this variant.

Fulgent Genetics
Classification: Likely benign for Mitochondrial complex II deficiency, nuclear type 1; Dilated cardiomyopathy 1GG; Pheochromocytoma/paraganglioma syndrome 5; Neurodegeneration with ataxia and late-onset optic atrophy. Last evaluated: 2021-09-20. Review status: criteria provided, single submitter. Criteria: ACMG Guidelines, 2015. Collection method: clinical testing. Allele origin: unknown.

Ambry Genetics
Classification: Likely benign for Hereditary cancer-predisposing syndrome. Last evaluated: 2018-11-28. Review status: criteria provided, single submitter. Criteria: Ambry Variant Classification Scheme 2023. Collection method: clinical testing. Allele origin: germline.